The following is an entry in ClinVar:

ClinVar aggregate classification (germline): Uncertain significance (1 of 4 stars; one submission).

Conditions:
Regional enteritis. Also called: Enteritis, Granulomatous. Identifiers: MedGen C0678202, MeSH D003424.
Blau syndrome (BLAUS). Also called: ARTHROCUTANEOUVEAL GRANULOMATOSIS; GRANULOMATOSIS, FAMILIAL JUVENILE SYSTEMIC; GRANULOMATOSIS, FAMILIAL, BLAU TYPE; GRANULOMATOUS INFLAMMATORY ARTHRITIS, DERMATITIS, AND UVEITIS, FAMILIAL; JABS SYNDROME. Identifiers: Orphanet 90340, MedGen C5201146, MONDO:0008523, OMIM 186580.

Submission:

Labcorp Genetics (formerly Invitae), Labcorp
Classification: Uncertain significance for Regional enteritis; Blau syndrome. Last evaluated: 2025-02-23. Review status: criteria provided, single submitter. Criteria: Invitae Variant Classification Sherloc (09022015). Collection method: clinical testing. Allele origin: germline.
Comment: This sequence change creates a premature translational stop signal (p.Arg552Serfs*193) in the NOD2 gene. It is expected to result in an absent or disrupted protein product. However, the current clinical and genetic evidence is not sufficient to establish whether loss-of-function variants in NOD2 cause disease. This variant is not present in population databases (gnomAD no frequency). This variant has not been reported in the literature in individuals affected with NOD2-related conditions. In summary, the available evidence is currently insufficient to determine the role of this variant in disease. Therefore, it has been classified as a Variant of Uncertain Significance.

NM_001370466.1(NOD2):c.1573_1627del (p.Arg525fs)

Gene: NOD2 (nucleotide binding oligomerization domain containing 2; plus strand). Cytogenetic location: 16q12.1.
Variant type: Deletion.
Coding change: c.1573_1627del on transcript NM_001370466.1 (MANE Select); coding-DNA positions 1573 to 1627, 55 bases deleted.
Protein change: p.Arg525fs; shifts the reading frame from arginine 525.
Molecular consequence: frameshift variant. On other transcripts: non-coding transcript variant (1).
Genome position (GRCh38, 1-based): chr16:50,711,565-50,711,619, 55 bases deleted. GRCh37 (hg19): chr16:50,745,476-50,745,530.
Other names: c.1573_1627del, p.Arg525fs (NM_001293557.2); c.1654_1708del, p.Arg552fs (NM_022162.3); short protein forms R552fs, R525fs.
Identifiers: ClinVar variation 4784270 (VCV004784270.1).